The following is an entry in ClinVar:

NM_000057.4(BLM):c.4059_4076+183del

Gene: BLM (BLM RecQ like helicase; plus strand). Cytogenetic location: 15q26.1.
Variant type: Deletion.
Coding change: c.4059_4076+183del on transcript NM_000057.4 (MANE Select); coding-DNA position 4059 through 183 bases into the intron after coding-DNA position 4076, 201 bases deleted.
Molecular consequence: splice donor variant.
Genome position (GRCh38, 1-based): chr15:90,811,389-90,811,589, 201 bases deleted. GRCh37 (hg19): chr15:91,354,619-91,354,819.
Other names: c.4059_4076+183del (NM_001287246.2); c.2934_2951+183del (NM_001287248.2); c.3666_3683+183del (NM_001287247.2).
Identifiers: ClinVar variation 4715127 (VCV004715127.1).

ClinVar aggregate classification (germline): Uncertain significance (1 of 4 stars; one submission).

Conditions:
Bloom syndrome (BLM). Also called: Bloom-Torre-Machacek syndrome. Identifiers: Orphanet 125, MedGen C0005859, MONDO:0008876, OMIM 210900.

Submission:

Labcorp Genetics (formerly Invitae), Labcorp
Classification: Uncertain significance for Bloom syndrome. Last evaluated: 2025-03-14. Review status: criteria provided, single submitter. Criteria: Invitae Variant Classification Sherloc (09022015). Collection method: clinical testing. Allele origin: germline.
Comment: This variant results in the deletion of part of exon 21 (c.4059_4076+183del) of the BLM gene. While this variant is not anticipated to result in nonsense mediated decay, it likely alters RNA splicing and results in a disrupted protein product. This variant is not present in population databases (gnomAD no frequency). This variant has not been reported in the literature in individuals affected with BLM-related conditions. Variants that disrupt the consensus splice site are a relatively common cause of aberrant splicing (PMID: 17576681, 9536098). In summary, the available evidence is currently insufficient to determine the role of this variant in disease. Therefore, it has been classified as a Variant of Uncertain Significance.

Literature cited by the submitters: PubMed 17576681; PubMed 9536098.